The following is an entry in ClinVar:

ClinVar aggregate classification (germline): Uncertain significance. Review status: criteria provided, multiple submitters, no conflicts (2 of 4 stars). 2 submissions from 2 submitters: Uncertain significance (2). Last evaluated 2023-01-01.

Conditions:
Noonan syndrome 9 (NS9). Identifiers: Orphanet 648, MedGen C4225282, MONDO:0014691, OMIM 616559.
Cardiovascular phenotype. Identifiers: MedGen CN230736.

Allele frequency attached by ClinVar (database versions not stated): gnomAD 0.00001.
gnomAD v4.1: 2 of 1,613,952 alleles (0.00012%); highest among the groups gnomAD compares: Admixed American, 0.0017%; no homozygotes.

Submissions (2):

Ambry Genetics
Classification: Uncertain significance for Cardiovascular phenotype. Last evaluated: 2023-01-01. Review status: criteria provided, single submitter. Criteria: Ambry Variant Classification Scheme 2023. Collection method: clinical testing. Allele origin: germline.
Comment: The p.S569G variant (also known as c.1705A>G), located in coding exon 10 of the SOS2 gene, results from an A to G substitution at nucleotide position 1705. The serine at codon 569 is replaced by glycine, an amino acid with similar properties. This amino acid position is conserved. In addition, the in silico prediction for this alteration is inconclusive. Since supporting evidence is limited at this time, the clinical significance of this alteration remains unclear.

Labcorp Genetics (formerly Invitae), Labcorp
Classification: Uncertain significance for Noonan syndrome 9. Last evaluated: 2021-12-24. Review status: criteria provided, single submitter. Criteria: Invitae Variant Classification Sherloc (09022015). Collection method: clinical testing. Allele origin: germline.
Comment: This sequence change replaces serine, which is neutral and polar, with glycine, which is neutral and non-polar, at codon 569 of the SOS2 protein (p.Ser569Gly). This variant is not present in population databases (gnomAD no frequency). This variant has not been reported in the literature in individuals affected with SOS2-related conditions. Advanced modeling of protein sequence and biophysical properties (such as structural, functional, and spatial information, amino acid conservation, physicochemical variation, residue mobility, and thermodynamic stability) performed at Invitae indicates that this missense variant is not expected to disrupt SOS2 protein function. In summary, the available evidence is currently insufficient to determine the role of this variant in disease. Therefore, it has been classified as a Variant of Uncertain Significance.

NM_006939.4(SOS2):c.1705A>G (p.Ser569Gly)

Gene: SOS2 (SOS Ras/Rho guanine nucleotide exchange factor 2; minus strand). Cytogenetic location: 14q21.3.
Variant type: single nucleotide variant.
Coding change: c.1705A>G on transcript NM_006939.4 (MANE Select); coding-DNA position 1705, A replaced by G.
Protein change: p.Ser569Gly; replaces serine 569 with glycine.
Molecular consequence: missense variant.
Genome position (GRCh38, 1-based): chr14:50,159,578, T>C on the plus strand (A>G on the coding strand, the complement: SOS2 is on the minus strand). VCF-style: chr14-50159578-T-C. GRCh37 (hg19) VCF-style: chr14-50626296-T-C.
Other names: c.1606A>G, p.Ser536Gly (NM_001411020.1); short protein forms S569G, S536G.
Identifiers: ClinVar variation 2017937 (VCV002017937.6), dbSNP rs1884930530, ClinGen allele CA389645164.